The following is an entry in ClinVar:

ClinVar aggregate classification (germline): Uncertain significance (1 of 4 stars; one submission).

Submission:

Labcorp Genetics (formerly Invitae), Labcorp
Classification: Uncertain significance. Last evaluated: 2024-02-12. Review status: criteria provided, single submitter. Criteria: Invitae Variant Classification Sherloc (09022015). Collection method: clinical testing. Allele origin: germline.
Comment: This sequence change replaces methionine, which is neutral and non-polar, with valine, which is neutral and non-polar, at codon 2162 of the FBN3 protein (p.Met2162Val). This variant is not present in population databases (gnomAD no frequency). This variant has not been reported in the literature in individuals affected with FBN3-related conditions. Advanced modeling of protein sequence and biophysical properties (such as structural, functional, and spatial information, amino acid conservation, physicochemical variation, residue mobility, and thermodynamic stability) performed at Invitae indicates that this missense variant is not expected to disrupt FBN3 protein function with a negative predictive value of 80%. In summary, the available evidence is currently insufficient to determine the role of this variant in disease. Therefore, it has been classified as a Variant of Uncertain Significance.

NM_032447.5(FBN3):c.6484A>G (p.Met2162Val)

Gene: FBN3 (fibrillin 3; minus strand). Cytogenetic location: 19p13.2.
Variant type: single nucleotide variant.
Coding change: c.6484A>G on transcript NM_032447.5 (MANE Select); coding-DNA position 6484, A replaced by G.
Protein change: p.Met2162Val; replaces methionine 2162 with valine.
Molecular consequence: missense variant.
Genome position (GRCh38, 1-based): chr19:8,088,072, T>C on the plus strand (A>G on the coding strand, the complement: FBN3 is on the minus strand). VCF-style: chr19-8088072-T-C. GRCh37 (hg19) VCF-style: chr19-8152956-T-C.
Other names: c.6484A>G, p.Met2162Val (NM_001321431.2); short protein forms M2162V.
Identifiers: ClinVar variation 3679836 (VCV003679836.2).